The following is an entry in ClinVar:

ClinVar aggregate classification (germline): Conflicting classifications of pathogenicity. Review status: criteria provided, conflicting classifications (1 of 4 stars). 12 submissions from 12 submitters: Uncertain significance (2); Benign (2); Likely benign (5). 3 of the submissions do not count toward it. Last evaluated 2026-02-01.

Conditions:
Hereditary cancer-predisposing syndrome. Also called: Hereditary neoplastic syndrome; Tumor predisposition; Neoplastic Syndromes, Hereditary; Hereditary Cancer Syndrome. Identifiers: Orphanet 140162, MedGen C0027672, MeSH D009386, MONDO:0015356.
APC-related disorder. Also called: APC-related condition.
Familial adenomatous polyposis 1 (FAP1). Also called: POLYPOSIS, ADENOMATOUS INTESTINAL; FAMILIAL ADENOMATOUS POLYPOSIS 1, ATTENUATED. Identifiers: MedGen C2713442, MONDO:0021056, OMIM 175100. Disease mechanism: loss of function.
Colorectal adenoma. Identifiers: MedGen C1302401, MONDO:0005484.

Allele frequency attached by ClinVar (database versions not stated): gnomAD exomes 0.00003 and 0.00005; ExAC 0.00005; ESP Exome Variant Server 0.00038; gnomAD 0.00038 and 0.00039; TOPMed 0.00066.
gnomAD v4.1: 113 of 1,614,178 alleles (0.007%); highest among the groups gnomAD compares: African/African-American, 0.084%; no homozygotes.

Submissions (12):

Labcorp Genetics (formerly Invitae), Labcorp
Classification: Benign for Familial adenomatous polyposis 1. Last evaluated: 2026-02-01. Review status: criteria provided, single submitter. Criteria: Invitae Variant Classification Sherloc (09022015). Collection method: clinical testing. Allele origin: germline.

Center for Genomic Medicine, Rigshospitalet, Copenhagen University Hospital
Classification: Likely benign. Last evaluated: 2025-03-04. Review status: criteria provided, single submitter. Criteria: ACMG Guidelines, 2015. Collection method: clinical testing. Allele origin: germline.

Color Diagnostics, LLC DBA Color Health
Classification: Likely benign for Hereditary cancer-predisposing syndrome. Last evaluated: 2024-09-17. Review status: criteria provided, single submitter. Criteria: ACMG Guidelines, 2015. Collection method: clinical testing. Allele origin: germline.

Myriad Genetics, Inc.
Classification: Likely benign for Familial adenomatous polyposis 1. Last evaluated: 2023-02-17. Review status: criteria provided, single submitter. Criteria: Myriad Autosomal Dominant, Autosomal Recessive and X-Linked Classification Criteria (2023). Collection method: clinical testing. Allele origin: unknown.
Comment: This variant is considered likely benign. This variant has been observed at a population frequency that is significantly greater than expected given the associated disease prevalence and penetrance.

Sema4
Classification: Uncertain significance for Hereditary cancer-predisposing syndrome. Last evaluated: 2021-12-16. Review status: criteria provided, single submitter. Criteria: Sema4 Curation Guidelines. Collection method: curation. Allele origin: germline.
Comment: The APC c.2847G>T (p.M949I) variant has been reported in heterozygosity in at least one individual with multiple colorectal adenomas (PMID: 18199528). It has also been reported in individuals with breast cancer, papillary renal cell carcinoma, an ependymoma, and several controls (PMID: 29684080, 26580448, 25637381, 30122538). It was observed in 13/24946 chromosomes of the African/African American subpopulation, with no homozygotes, in the large and broad cohorts of the Genome Aggregation Database (PMID: 32461654). This variant has been reported in ClinVar (Variation ID 161206). Functional studies have not been performed, and in silico predictions of the variant's effect on protein function are inconclusive. The evidence is insufficient to meet ACMG/AMP criteria for classifying the variant as benign or pathogenic. Thus, the clinical significance of this variant is currently uncertain.

Women's Health and Genetics/Laboratory Corporation of America, LabCorp
Classification: Benign. Last evaluated: 2021-12-13. Review status: criteria provided, single submitter. Criteria: LabCorp Variant Classification Summary - May 2015. Collection method: clinical testing. Allele origin: germline.
Comment: Variant summary: APC c.2847G>T (p.Met949Ile) results in a conservative amino acid change in the encoded protein sequence. Four of five in-silico tools predict a benign effect of the variant on protein function. The variant allele was found at a frequency of 4.8e-05 in 250790 control chromosomes, predominantly at a frequency of 0.00068 within the African or African-American subpopulation in the gnomAD database. The observed variant frequency within African or African-American control individuals in the gnomAD database is approximately 9.5 fold of the estimated maximal expected allele frequency for a pathogenic variant in APC causing Familial Adenomatous Polyposis phenotype (7.1e-05), strongly suggesting that the variant is a benign polymorphism found primarily in populations of African or African-American origin. c.2847G>T has been reported in the literature in at-least two individuals, one stated as affected with non-familial adenomatous polyposis and non MUTYH-associated polyposis (Azzopard_2008) and another with Ependymoma in a sequencing study of 1120 young cancer patients (Zhang_2015). These report(s) do not provide unequivocal conclusions about association of the variant with Familial Adenomatous Polyposis. At-least one co-occurrence with another pathogenic variant has been observed at our laboratory (BRCA2 c.8548_8551delGAAG, p.Glu2850fs), providing supporting evidence for a benign role. To our knowledge, no experimental evidence demonstrating an impact on protein function has been reported. Six clinical diagnostic laboratories have submitted clinical-significance assessments for this variant to ClinVar after 2014 without evidence for independent evaluation. Multiple laboratories reported the variant with conflicting assessments (benign, n=1; likely benign, n=3; VUS, n=2). Based on the evidence outlined above, the variant was classified as benign.

GeneDx
Classification: Likely benign. Last evaluated: 2020-11-04. Review status: criteria provided, single submitter. Criteria: GeneDx Variant Classification Process June 2021. Collection method: clinical testing. Allele origin: germline. Affected: yes.
Comment: This variant is associated with the following publications: (PMID: 25637381, 21859464, 24055113, 18199528, 26991699)

Ambry Genetics
Classification: Likely benign for Hereditary cancer-predisposing syndrome. Last evaluated: 2018-09-17. Review status: criteria provided, single submitter. Criteria: Ambry Variant Classification Scheme 2023. Collection method: clinical testing. Allele origin: germline.

Mendelics
Classification: Uncertain significance for Familial adenomatous polyposis 1. Last evaluated: 2018-07-02. Review status: criteria provided, single submitter. Criteria: Mendelics Assertion Criteria 2017. Collection method: clinical testing. Allele origin: unknown.

PreventionGenetics, part of Exact Sciences
Classification: Likely benign for APC-related condition. Last evaluated: 2024-02-04. Review status: no assertion criteria provided. Collection method: clinical testing. Allele origin: germline. Not counted in ClinVar's aggregate classification.
Comment: This variant is classified as likely benign based on ACMG/AMP sequence variant interpretation guidelines (Richards et al. 2015 PMID: 25741868, with internal and published modifications).

Counsyl
Classification: Uncertain significance for Familial adenomatous polyposis 1. Last evaluated: 2016-04-14. Review status: no assertion criteria provided. Collection method: clinical testing. Allele origin: unknown. Not counted in ClinVar's aggregate classification.

CSER _CC_NCGL, University of Washington
Classification: Uncertain significance for Colorectal adenoma. Last evaluated: 2014-06-01. Review status: no assertion criteria provided. Collection method: research. Allele origin: germline. Inheritance: Autosomal dominant inheritance. Study: ESP 6500 variant annotation. Not counted in ClinVar's aggregate classification.
Comment: Variants classified for the Actionable exomic incidental findings in 6503 participants: challenges of variant classification manuscript

Literature cited by the submitters: PubMed 18199528 (cited by 4 submitters); PubMed 29684080 (cited by Sema4); PubMed 26580448 (cited by Sema4 and Women's Health and Genetics/Laboratory Corporation of America, LabCorp); PubMed 25637381 (cited by 3 submitters); PubMed 30122538 (cited by Sema4); PubMed 24055113 (cited by Women's Health and Genetics/Laboratory Corporation of America, LabCorp and Ambry Genetics); PubMed 21859464 (cited by Women's Health and Genetics/Laboratory Corporation of America, LabCorp and Ambry Genetics).

NM_000038.6(APC):c.2847G>T (p.Met949Ile)

Gene: APC (APC regulator of Wnt signaling pathway; plus strand). Cytogenetic location: 5q22.2.
Variant type: single nucleotide variant.
Coding change: c.2847G>T on transcript NM_000038.6 (MANE Select); coding-DNA position 2847, G replaced by T.
Protein change: p.Met949Ile; replaces methionine 949 with isoleucine.
Molecular consequence: missense variant.
Genome position (GRCh38, 1-based): chr5:112,838,441, G>T. VCF-style: chr5-112838441-G-T. GRCh37 (hg19) VCF-style: chr5-112174138-G-T.
Other names: p.M949I:ATG>ATT; c.2847G>T, p.Met949Ile (NM_001127510.3, NM_001354895.2); c.2793G>T, p.Met931Ile (NM_001127511.3); c.2901G>T, p.Met967Ile (NM_001354896.2); c.2877G>T, p.Met959Ile (NM_001354897.2); c.2772G>T, p.Met924Ile (NM_001354898.2); c.2763G>T, p.Met921Ile (NM_001354899.2); c.2724G>T, p.Met908Ile (NM_001354900.2); and 6 more; short protein forms M931I, M949I, M959I, M823I, M858I, M890I, M967I, M666I.
Identifiers: ClinVar variation 161206 (VCV000161206.34), dbSNP rs147394539, ClinGen allele CA007863.
Genomic context (GRCh38, chr5:112,838,441, plus strand): 5'-TACACATTCAAACACTTACAATTTCACTAAGTCGGAAAATTCAAATAGGACATGTTCTAT[G>T]CCTTATGCCAAATTAGAATACAAGAGATCTTCAAATGATAGTTTAAATAGTGTCAGTAGT-3'
Protein context (NP_000029.2, residues 939-959): KSENSNRTCS[Met949Ile]PYAKLEYKRS